The following is an entry in ClinVar:

ClinVar aggregate classification (germline): Uncertain significance. Review status: criteria provided, multiple submitters, no conflicts (2 of 4 stars). 2 submissions from 2 submitters: Uncertain significance (2). Last evaluated 2025-08-09.

Conditions:
Inborn genetic diseases. Identifiers: MedGen C0950123, MeSH D030342.

Allele frequency attached by ClinVar (database versions not stated): ExAC 0.00002; gnomAD exomes 0.00002; gnomAD 0.00003; TOPMed 0.00004.
gnomAD v4.1: 37 of 1,613,418 alleles (0.0023%); highest among the groups gnomAD compares: East Asian, 0.0067%; no homozygotes.

Submissions (2):

Ambry Genetics
Classification: Uncertain significance for Inborn genetic diseases. Last evaluated: 2025-08-09. Review status: criteria provided, single submitter. Criteria: Ambry Variant Classification Scheme 2023. Collection method: clinical testing. Allele origin: germline.

Labcorp Genetics (formerly Invitae), Labcorp
Classification: Uncertain significance. Last evaluated: 2022-07-01. Review status: criteria provided, single submitter. Criteria: Invitae Variant Classification Sherloc (09022015). Collection method: clinical testing. Allele origin: germline.
Comment: This sequence change replaces serine, which is neutral and polar, with glycine, which is neutral and non-polar, at codon 1254 of the LTBP2 protein (p.Ser1254Gly). This variant is present in population databases (rs764786694, gnomAD 0.006%). This variant has not been reported in the literature in individuals affected with LTBP2-related conditions. Algorithms developed to predict the effect of missense changes on protein structure and function (SIFT, PolyPhen-2, Align-GVGD) all suggest that this variant is likely to be tolerated. Algorithms developed to predict the effect of sequence changes on RNA splicing suggest that this variant may disrupt the consensus splice site. In summary, the available evidence is currently insufficient to determine the role of this variant in disease. Therefore, it has been classified as a Variant of Uncertain Significance.

NM_000428.3(LTBP2):c.3760A>G (p.Ser1254Gly)

Gene: LTBP2 (latent transforming growth factor beta binding protein 2; minus strand). Cytogenetic location: 14q24.3.
Variant type: single nucleotide variant.
Coding change: c.3760A>G on transcript NM_000428.3 (MANE Select); coding-DNA position 3760, A replaced by G.
Protein change: p.Ser1254Gly; replaces serine 1254 with glycine.
Molecular consequence: missense variant.
Genome position (GRCh38, 1-based): chr14:74,507,988, T>C on the plus strand (A>G on the coding strand, the complement: LTBP2 is on the minus strand). VCF-style: chr14-74507988-T-C. GRCh37 (hg19) VCF-style: chr14-74974691-T-C.
Other names: c.3760A>G (NM_000428.2); short protein forms S1254G.
Identifiers: ClinVar variation 1925955 (VCV001925955.3), dbSNP rs764786694, ClinGen allele CA7269052.